The following is an entry in ClinVar:

NM_000363.5(TNNI3):c.134G>A (p.Arg45Lys)

Gene: TNNI3 (troponin I3, cardiac type; minus strand). Cytogenetic location: 19q13.42.
Variant type: single nucleotide variant.
Coding change: c.134G>A on transcript NM_000363.5 (MANE Select); coding-DNA position 134, G replaced by A.
Protein change: p.Arg45Lys; replaces arginine 45 with lysine.
Molecular consequence: missense variant.
Genome position (GRCh38, 1-based): chr19:55,156,619, C>T on the plus strand (G>A on the coding strand, the complement: TNNI3 is on the minus strand). VCF-style: chr19-55156619-C-T. GRCh37 (hg19) VCF-style: chr19-55667987-C-T.
Other names: c.134G>A (NM_000363.4); short protein forms R45K.
Identifiers: ClinVar variation 1487847 (VCV001487847.8), dbSNP rs2147285293, ClinGen allele CA407442396.

ClinVar aggregate classification (germline): Uncertain significance. Review status: criteria provided, multiple submitters, no conflicts (2 of 4 stars). 2 submissions from 2 submitters: Uncertain significance (2). Last evaluated 2026-06-01.

Conditions:
Cardiovascular phenotype. Identifiers: MedGen CN230736.
Hypertrophic cardiomyopathy. Also called: HYPERTROPHIC MYOCARDIOPATHY. Identifiers: Orphanet 217569, MedGen C0007194, MeSH D002312, MONDO:0005045, HP:0001639.

Submissions (2):

Ambry Genetics
Classification: Uncertain significance for Cardiovascular phenotype. Last evaluated: 2026-06-01. Review status: criteria provided, single submitter. Criteria: Ambry Variant Classification Scheme 2023. Collection method: clinical testing. Allele origin: germline.
Comment: The p.R45K variant (also known as c.134G>A), located in coding exon 4 of the TNNI3 gene, results from a G to A substitution at nucleotide position 134. The arginine at codon 45 is replaced by lysine, an amino acid with highly similar properties. This amino acid position is conserved. In addition, the in silico prediction for this alteration is inconclusive. Based on the available evidence, the clinical significance of this variant remains unclear.

Labcorp Genetics (formerly Invitae), Labcorp
Classification: Uncertain significance for Hypertrophic cardiomyopathy. Last evaluated: 2025-08-22. Review status: criteria provided, single submitter. Criteria: Invitae Variant Classification Sherloc (09022015). Collection method: clinical testing. Allele origin: germline.
Comment: This sequence change replaces arginine, which is basic and polar, with lysine, which is basic and polar, at codon 45 of the TNNI3 protein (p.Arg45Lys). This variant is not present in population databases (gnomAD no frequency). This variant has not been reported in the literature in individuals affected with TNNI3-related conditions. ClinVar contains an entry for this variant (Variation ID: 1487847). An algorithm developed to predict the effect of missense changes on protein structure and function (PolyPhen-2) suggests that this variant is likely to be tolerated. In summary, the available evidence is currently insufficient to determine the role of this variant in disease. Therefore, it has been classified as a Variant of Uncertain Significance.